The following is an entry in ClinVar:

ClinVar aggregate classification (germline): Pathogenic (1 of 4 stars; one submission).

Conditions:
GNPTG-mucolipidosis. Also called: ML III GAMMA; ML IIIC; MUCOLIPIDOSIS III, COMPLEMENTATION GROUP C; MUCOLIPIDOSIS III, IRANIAN VARIANT FORM; MUCOLIPIDOSIS III, VARIANT FORM; Mucolipidosis type III gamma. Identifiers: Orphanet 423470, Orphanet 577, MedGen C1854896, MONDO:0009652, OMIM 252605.

Submission:

Myriad Genetics, Inc.
Classification: Pathogenic for GNPTG-mucolipidosis. Last evaluated: 2025-05-19. Review status: criteria provided, single submitter. Criteria: Myriad Autosomal Dominant, Autosomal Recessive and X-Linked Classification Criteria (2023). Collection method: clinical testing. Allele origin: unknown.
Comment: NM_032520.4(GNPTG):c.22delC(L8Sfs*20) is expected to be pathogenic in the context of mucolipidosis III gamma. This variant is predicted to lead to an abnormal or absent protein product due to the creation of a premature termination codon in GNPTG, a gene where loss-of-function variants are known to be pathogenic. Please note: this variant was assessed in the context of healthy population screening.

NM_032520.5(GNPTG):c.22del (p.Leu8fs)

Genes: GNPTG (N-acetylglucosamine-1-phosphate transferase subunit gamma; plus strand), LOC130058158 (ATAC-STARR-seq lymphoblastoid silent region 6972; plus strand). Cytogenetic location: 16p13.3.
Variant type: Deletion.
Coding change: c.22del on transcript NM_032520.5 (MANE Select); coding-DNA position 22, one base deleted (C; older notation c.22delC).
Protein change: p.Leu8fs; shifts the reading frame from leucine 8.
Molecular consequence: frameshift variant.
Genome position (GRCh38, 1-based): chr16:1,351,987, C deleted. VCF-style (leftmost placement, unchanged base first): chr16-1351986-GC-G. GRCh37 (hg19) VCF-style: chr16-1401987-GC-G.
Other names: short protein forms L8fs.
Identifiers: ClinVar variation 5014474 (VCV005014474.1).